The following is an entry in ClinVar:

ClinVar aggregate classification (germline): Benign/Likely benign. Review status: criteria provided, multiple submitters, no conflicts (2 of 4 stars). 9 submissions from 9 submitters: Benign (3); Likely benign (6). Last evaluated 2026-05-20.

Conditions:
Multiple endocrine neoplasia type 2A. Also called: MULTIPLE ENDOCRINE NEOPLASIA, TYPE IIA; PTC SYNDROME; SIPPLE SYNDROME; MEN 2A; MEN-2A syndrome; Pheochromocytoma and amyloid producing medullary thyroid carcinoma. Identifiers: Orphanet 247698, Orphanet 653, MedGen C0025268, MeSH D018813, MONDO:0008234, OMIM 171400.
Multiple endocrine neoplasia type 2B. Also called: MUCOSAL NEUROMA SYNDROME; Multiple endocrine neoplasia, type 3; MULTIPLE ENDOCRINE NEOPLASIA, TYPE IIB; MEN IIB; NEUROMATA, MUCOSAL, WITH ENDOCRINE TUMORS; WAGENMANN-FROBOESE SYNDROME. Identifiers: Orphanet 247709, Orphanet 653, MedGen C0025269, MeSH D018814, MONDO:0008082, OMIM 162300.
Pheochromocytoma. Also called: MAX-Related Hereditary Paraganglioma-Pheochromocytoma Syndrome. Identifiers: Orphanet 29072, MedGen C0031511, MONDO:0008233, OMIM 171300, HP:0002666.
Familial medullary thyroid carcinoma (MTC). Also called: Thyroid cancer, familial medullary; MTC, familial; Familial Medullary Thyroid Carcinoma (FMTC). Identifiers: Orphanet 653, Orphanet 99361, MedGen C1833921, MONDO:0007958, OMIM 155240.
Hirschsprung disease, susceptibility to, 1 (HSCR1). Also called: RET-Related Hirschsprung Disease. Identifiers: Orphanet 388, MedGen C3888239, MONDO:0007723, OMIM 142623.
RET-related disorder. Also called: RET-related condition; RET-related disease; RET-related disorders.
Hereditary cancer-predisposing syndrome. Also called: Neoplastic Syndromes, Hereditary; Tumor predisposition; Hereditary Cancer Syndrome; Hereditary neoplastic syndrome. Identifiers: Orphanet 140162, MedGen C0027672, MeSH D009386, MONDO:0015356.
Multiple endocrine neoplasia, type 2 (MEN2). Identifiers: Orphanet 653, MedGen C4048306, MONDO:0019003. Disease mechanism: gain of function.

gnomAD v4.1: 21 of 1,613,300 alleles (0.0013%); highest among the groups gnomAD compares: Admixed American, 0.018%; no homozygotes.

Submissions (9):

PreventionGenetics, part of Exact Sciences
Classification: Likely benign for RET-related condition. Last evaluated: 2026-05-20. Review status: criteria provided, single submitter. Criteria: ACMG Guidelines, 2015. Collection method: clinical testing. Allele origin: germline.
Comment: This variant is classified as likely benign based on ACMG/AMP sequence variant interpretation guidelines (Richards et al. 2015 PMID: 25741868, with internal and published modifications).

Labcorp Genetics (formerly Invitae), Labcorp
Classification: Likely benign for Multiple endocrine neoplasia, type 2. Last evaluated: 2026-01-18. Review status: criteria provided, single submitter. Criteria: Invitae Variant Classification Sherloc (09022015). Collection method: clinical testing. Allele origin: germline.

Myriad Genetics, Inc.
Classification: Benign for Multiple endocrine neoplasia type 2A. Last evaluated: 2025-02-25. Review status: criteria provided, single submitter. Criteria: Myriad Autosomal Dominant, Autosomal Recessive and X-Linked Classification Criteria (2023). Collection method: clinical testing. Allele origin: unknown.
Comment: This variant is considered benign. This variant is a silent/synonymous amino acid change and it is not expected to impact splicing.

All of Us Research Program, National Institutes of Health
Classification: Likely benign for Multiple endocrine neoplasia, type 2. Last evaluated: 2024-07-29. Review status: criteria provided, single submitter. Criteria: ACMG Guidelines, 2015. Collection method: clinical testing. Allele origin: germline. Inheritance: Autosomal dominant inheritance. Observed: 2 variant alleles, 2 heterozygotes.
Comment: This study involves interpretation of variants in research participants for the purpose of population health screening. Participant phenotype was not available at the time of variant classification. Additional details can be found in publication PMID: 35346344, PMCID: PMC8962531

Color Diagnostics, LLC DBA Color Health
Classification: Likely benign for Multiple endocrine neoplasia, type 2. Last evaluated: 2022-11-06. Review status: criteria provided, single submitter. Criteria: ACMG Guidelines, 2015. Collection method: clinical testing. Allele origin: germline.

Fulgent Genetics
Classification: Likely benign for Hirschsprung disease, susceptibility to, 1; Familial medullary thyroid carcinoma; Multiple endocrine neoplasia type 2B; Pheochromocytoma; Multiple endocrine neoplasia type 2A. Last evaluated: 2021-10-17. Review status: criteria provided, single submitter. Criteria: ACMG Guidelines, 2015. Collection method: clinical testing. Allele origin: unknown.

Ambry Genetics
Classification: Benign for Hereditary cancer-predisposing syndrome. Last evaluated: 2021-09-29. Review status: criteria provided, single submitter. Criteria: Ambry Variant Classification Scheme 2023. Collection method: clinical testing. Allele origin: germline.

Women's Health and Genetics/Laboratory Corporation of America, LabCorp
Classification: Benign. Last evaluated: 2021-09-02. Review status: criteria provided, single submitter. Criteria: LabCorp Variant Classification Summary - May 2015. Collection method: clinical testing. Allele origin: germline.
Comment: Variant summary: RET c.960C>T alters a non-conserved nucleotide resulting in a synonymous change. 4/4 computational tools predict no significant impact on normal splicing. However, these predictions have yet to be confirmed by functional studies. The variant allele was found at a frequency of 3e-05 in 361586 control chromosomes, predominantly at a frequency of 0.00023 within the Latino subpopulation in the gnomAD database (v2.1 exomes-, and v3.1 genomes datasets). The observed variant frequency within Latino control individuals in the gnomAD database is approximately 6-fold of the estimated maximal expected allele frequency for a pathogenic variant in RET causing Multiple Endocrine Neoplasia Type 2 phenotype (3.7e-05), strongly suggesting that the variant is a benign polymorphism found primarily in populations of Latino origin. To our knowledge, no occurrence of c.960C>T in individuals affected with Multiple Endocrine Neoplasia Type 2 and no experimental evidence demonstrating its impact on protein function have been reported. One clinical diagnostic laboratory has submitted clinical-significance assessments for this variant to ClinVar after 2014 without evidence for independent evaluation, and classified the variant as likely benign. Based on the evidence outlined above, the variant was classified as benign.

Blueprint Genetics
Classification: Likely benign. Last evaluated: 2018-09-21. Review status: criteria provided, single submitter. Criteria: ACMG Guidelines, 2015. Collection method: clinical testing. Allele origin: germline.

NM_020975.6(RET):c.960C>T (p.Pro320=)

Gene: RET (ret proto-oncogene; plus strand). Cytogenetic location: 10q11.21.
Variant type: single nucleotide variant.
Coding change: c.960C>T on transcript NM_020975.6 (MANE Select); coding-DNA position 960, C replaced by T.
Protein change: p.Pro320=; no amino-acid change (proline 320 retained).
Molecular consequence: synonymous variant. On other transcripts: intron variant (25).
Genome position (GRCh38, 1-based): chr10:43,106,468, C>T. VCF-style: chr10-43106468-C-T. GRCh37 (hg19) VCF-style: chr10-43601916-C-T.
Other names: c.960C>T, p.Pro320= (NM_000323.2, NM_001406743.1, NM_001406744.1 and 6 more transcripts); c.198C>T, p.Pro66= (NM_001355216.2); c.831C>T, p.Pro277= (NM_001406761.1, NM_001406762.1, NM_001406764.1 and 1 more transcripts); c.672C>T, p.Pro224= (NM_001406766.1, NM_001406767.1, NM_001406770.1); c.867+1275C>T (NM_001406772.1, NM_001406769.1); c.626-2563C>T (NM_001406773.1, NM_001406771.1); c.625+3839C>T (NM_001406782.1, NM_001406780.1, NM_001406779.1 and 3 more transcripts); c.738+1275C>T (NM_001406774.1); and 5 more.
Identifiers: ClinVar variation 1106240 (VCV001106240.18), dbSNP rs756761746, ClinGen allele CA045632.